The following is an entry in ClinVar:

NM_001128840.3(CACNA1D):c.1508G>A (p.Arg503Gln)

Gene: CACNA1D (calcium voltage-gated channel subunit alpha1 D; plus strand). Cytogenetic location: 3p21.1.
Variant type: single nucleotide variant.
Coding change: c.1508G>A on transcript NM_001128840.3 (MANE Select); coding-DNA position 1508, G replaced by A.
Protein change: p.Arg503Gln; replaces arginine 503 with glutamine.
Molecular consequence: missense variant.
Genome position (GRCh38, 1-based): chr3:53,722,316, G>A. VCF-style: chr3-53722316-G-A. GRCh37 (hg19) VCF-style: chr3-53756343-G-A.
Other names: c.1568G>A, p.Arg523Gln (NM_000720.4); c.1508G>A, p.Arg503Gln (NM_001128839.3); short protein forms R503Q, R523Q.
Identifiers: ClinVar variation 667202 (VCV000667202.13), dbSNP rs941177114, ClinGen allele CA74847278.

ClinVar aggregate classification (germline): Uncertain significance. Review status: criteria provided, multiple submitters, no conflicts (2 of 4 stars). 4 submissions from 4 submitters: Uncertain significance (4). Last evaluated 2026-02-18.

Allele frequency attached by ClinVar (database versions not stated): gnomAD exomes below 0.00001; TOPMed below 0.00001.
gnomAD v4.1: 7 of 1,614,090 alleles (0.00043%); highest among the groups gnomAD compares: Non-Finnish European, 0.00051%; no homozygotes.

Submissions (4):

GeneDx
Classification: Uncertain significance. Last evaluated: 2026-02-18. Review status: criteria provided, single submitter. Criteria: GeneDx Variant Classification Process June 2021. Collection method: clinical testing. Allele origin: germline.
Comment: Not observed at significant frequency in large population cohorts (gnomAD); In silico analysis supports that this missense variant has a deleterious effect on protein structure/function; Has not been previously published as pathogenic or benign to our knowledge

Labcorp Genetics (formerly Invitae), Labcorp
Classification: Uncertain significance. Last evaluated: 2025-03-03. Review status: criteria provided, single submitter. Criteria: Invitae Variant Classification Sherloc (09022015). Collection method: clinical testing. Allele origin: germline.
Comment: This sequence change replaces arginine, which is basic and polar, with glutamine, which is neutral and polar, at codon 523 of the CACNA1D protein (p.Arg523Gln). This variant is not present in population databases (gnomAD no frequency). This variant has not been reported in the literature in individuals affected with CACNA1D-related conditions. ClinVar contains an entry for this variant (Variation ID: 667202). An algorithm developed to predict the effect of missense changes on protein structure and function (PolyPhen-2) suggests that this variant is likely to be disruptive. In summary, the available evidence is currently insufficient to determine the role of this variant in disease. Therefore, it has been classified as a Variant of Uncertain Significance.

Blueprint Genetics
Classification: Uncertain significance. Last evaluated: 2024-04-23. Review status: criteria provided, single submitter. Criteria: ACMG Guidelines, 2015. Collection method: clinical testing. Allele origin: germline.

Laboratory for Molecular Medicine, Mass General Brigham Personalized Medicine
Classification: Uncertain significance. Last evaluated: 2018-06-25. Review status: criteria provided, single submitter. Criteria: LMM Criteria. Collection method: clinical testing. Allele origin: germline. Observed: 1 variant allele.
Comment: The p.Arg523Gln variant in CACNA1D has not been previously reported in individua ls with hearing loss or bradycardia and was absent from large population studies . Computational prediction tools and conservation analysis suggest that the p.A rg523Gln variant may impact the protein, though this information is not predicti ve enough to determine pathogenicity. In summary, the clinical significance of t he p.Arg523Gln variant is uncertain. ACMG/AMP Criteria applied: PP3, PM2.